The following is an entry in ClinVar:

ClinVar aggregate classification (germline): Uncertain significance. Review status: criteria provided, multiple submitters, no conflicts (2 of 4 stars). 2 submissions from 2 submitters: Uncertain significance (2). Last evaluated 2025-02-08.

Conditions:
Inborn genetic diseases. Identifiers: MedGen C0950123, MeSH D030342.

gnomAD v4.1: 2 of 1,613,704 alleles (0.00012%); highest among the groups gnomAD compares: Non-Finnish European, 0.00017%; no homozygotes.

Submissions (2):

Ambry Genetics
Classification: Uncertain significance for Inborn genetic diseases. Last evaluated: 2025-02-08. Review status: criteria provided, single submitter. Criteria: Ambry Variant Classification Scheme 2023. Collection method: clinical testing. Allele origin: germline.

GeneDx
Classification: Uncertain significance. Last evaluated: 2024-05-28. Review status: criteria provided, single submitter. Criteria: GeneDx Variant Classification Process June 2021. Collection method: clinical testing. Allele origin: germline. Affected: yes.
Comment: Not observed at significant frequency in large population cohorts (gnomAD); In silico analysis indicates that this missense variant does not alter protein structure/function; Has not been previously published as pathogenic or benign to our knowledge

NM_006907.4(PYCR1):c.76G>A (p.Ala26Thr)

Gene: PYCR1 (pyrroline-5-carboxylate reductase 1; minus strand). Cytogenetic location: 17q25.3.
Variant type: single nucleotide variant.
Coding change: c.76G>A on transcript NM_006907.4 (MANE Select); coding-DNA position 76, G replaced by A.
Protein change: p.Ala26Thr; replaces alanine 26 with threonine.
Molecular consequence: missense variant.
Genome position (GRCh38, 1-based): chr17:81,936,185, C>T on the plus strand (G>A on the coding strand, the complement: PYCR1 is on the minus strand). VCF-style: chr17-81936185-C-T. GRCh37 (hg19) VCF-style: chr17-79894061-C-T.
Other names: c.76G>A, p.Ala26Thr (NM_001282279.2, NM_001282280.2, NM_001330523.2 and 1 more transcripts); c.157G>A, p.Ala53Thr (NM_001282281.2); short protein forms A26T, A53T.
Identifiers: ClinVar variation 3383492 (VCV003383492.2).